The following is an entry in ClinVar:

NM_001256789.3(CACNA1F):c.2206+9G>C

Gene: CACNA1F (calcium voltage-gated channel subunit alpha1 F; minus strand). Cytogenetic location: Xp11.23.
Variant type: single nucleotide variant.
Coding change: c.2206+9G>C on transcript NM_001256789.3 (MANE Select); 9 bases into the intron after coding-DNA position 2206, G replaced by C.
Molecular consequence: intron variant.
Genome position (GRCh38, 1-based): chrX:49,222,709, C>G on the plus strand (G>C on the coding strand, the complement: CACNA1F is on the minus strand). VCF-style: chrX-49222709-C-G. GRCh37 (hg19) VCF-style: chrX-49079168-C-G.
Other names: c.2239+9G>C (NM_005183.3, NM_005183.4); c.2044+9G>C (NM_001256790.3).
Identifiers: ClinVar variation 1652284 (VCV001652284.9), dbSNP rs782717898, ClinGen allele CA10410735.

ClinVar aggregate classification (germline): Likely benign. Review status: criteria provided, multiple submitters, no conflicts (2 of 4 stars). 2 submissions from 2 submitters: Likely benign (2). Last evaluated 2025-04-24.

Conditions:
CACNA1F-related disorder. Also called: CACNA1F-related condition.

Allele frequency attached by ClinVar (database versions not stated): gnomAD 0.00001; gnomAD exomes 0.00001 and 0.00002; ExAC 0.00002; TOPMed 0.00002.
gnomAD v4.1: 8 of 1,209,838 alleles (0.00066%); highest among the groups gnomAD compares: Non-Finnish European, 0.00089%; no homozygotes.

Submissions (2):

PreventionGenetics, part of Exact Sciences
Classification: Likely benign for CACNA1F-related condition. Last evaluated: 2025-04-24. Review status: criteria provided, single submitter. Criteria: ACMG Guidelines, 2015. Collection method: clinical testing. Allele origin: germline.
Comment: This variant is classified as likely benign based on ACMG/AMP sequence variant interpretation guidelines (Richards et al. 2015 PMID: 25741868, with internal and published modifications).

Labcorp Genetics (formerly Invitae), Labcorp
Classification: Likely benign. Last evaluated: 2025-03-17. Review status: criteria provided, single submitter. Criteria: Invitae Variant Classification Sherloc (09022015). Collection method: clinical testing. Allele origin: germline.